The following is an entry in ClinVar:

NM_000362.5(TIMP3):c.271T>C (p.Cys91Arg)

Genes: SYN3 (synapsin III; minus strand), TIMP3 (TIMP metallopeptidase inhibitor 3; plus strand). Cytogenetic location: 22q12.3.
Variant type: single nucleotide variant.
Coding change: c.271T>C on transcript NM_000362.5 (MANE Select); coding-DNA position 271, T replaced by C.
Protein change: p.Cys91Arg; replaces cysteine 91 with arginine.
Molecular consequence: missense variant. On other transcripts: intron variant (7).
Genome position (GRCh38, 1-based): chr22:32,857,315, T>C. VCF-style: chr22-32857315-T-C. GRCh37 (hg19) VCF-style: chr22-33253302-T-C.
Other names: c.708+7600A>G (NM_001369909.1, NM_001135774.2, NM_001369910.1); c.711+7600A>G (NM_001369907.1, NM_003490.4, NM_001369908.1 and 1 more transcripts); short protein forms C91R.
Identifiers: ClinVar variation 1004336 (VCV001004336.9), dbSNP rs2048398134, ClinGen allele CA411539506.

ClinVar aggregate classification (germline): Uncertain significance (1 of 4 stars; one submission).

Submission:

Labcorp Genetics (formerly Invitae), Labcorp
Classification: Uncertain significance. Last evaluated: 2020-02-25. Review status: criteria provided, single submitter. Criteria: Invitae Variant Classification Sherloc (09022015). Collection method: clinical testing. Allele origin: germline.
Comment: Algorithms developed to predict the effect of missense changes on protein structure and function (SIFT, PolyPhen-2, Align-GVGD) all suggest that this variant is likely to be disruptive, but these predictions have not been confirmed by published functional studies and their clinical significance is uncertain. This variant has not been reported in the literature in individuals with TIMP3-related conditions. This variant is not present in population databases (ExAC no frequency). This sequence change replaces cysteine with arginine at codon 91 of the TIMP3 protein (p.Cys91Arg). The cysteine residue is highly conserved and there is a large physicochemical difference between cysteine and arginine. In summary, the available evidence is currently insufficient to determine the role of this variant in disease. Therefore, it has been classified as a Variant of Uncertain Significance.